The following is an entry in ClinVar:

ClinVar aggregate classification (germline): Uncertain significance (1 of 4 stars; one submission).

gnomAD v4.1: 2 of 1,210,530 alleles (0.00017%); highest among the groups gnomAD compares: Middle Eastern, 0.023%; no homozygotes.

Submission:

Labcorp Genetics (formerly Invitae), Labcorp
Classification: Uncertain significance. Last evaluated: 2025-06-17. Review status: criteria provided, single submitter. Criteria: Invitae Variant Classification Sherloc (09022015). Collection method: clinical testing. Allele origin: germline.
Comment: This sequence change replaces glycine, which is neutral and non-polar, with arginine, which is basic and polar, at codon 301 of the CACNA1F protein (p.Gly301Arg). This variant is not present in population databases (gnomAD no frequency). This variant has not been reported in the literature in individuals affected with CACNA1F-related conditions. Invitae Evidence Modeling of protein sequence and biophysical properties (such as structural, functional, and spatial information, amino acid conservation, physicochemical variation, residue mobility, and thermodynamic stability) indicates that this missense variant is not expected to disrupt CACNA1F protein function with a negative predictive value of 80%. In summary, the available evidence is currently insufficient to determine the role of this variant in disease. Therefore, it has been classified as a Variant of Uncertain Significance.

NM_001256789.3(CACNA1F):c.901G>A (p.Gly301Arg)

Gene: CACNA1F (calcium voltage-gated channel subunit alpha1 F; minus strand). Cytogenetic location: Xp11.23.
Variant type: single nucleotide variant.
Coding change: c.901G>A on transcript NM_001256789.3 (MANE Select); coding-DNA position 901, G replaced by A.
Protein change: p.Gly301Arg; replaces glycine 301 with arginine.
Molecular consequence: missense variant.
Genome position (GRCh38, 1-based): chrX:49,228,364, C>T on the plus strand (G>A on the coding strand, the complement: CACNA1F is on the minus strand). VCF-style: chrX-49228364-C-T. GRCh37 (hg19) VCF-style: chrX-49084826-C-T.
Other names: c.706G>A, p.Gly236Arg (NM_001256790.3); c.901G>A, p.Gly301Arg (NM_005183.4); short protein forms G301R, G236R.
Identifiers: ClinVar variation 4778866 (VCV004778866.1).